The following is an entry in ClinVar:

NM_005956.4(MTHFD1):c.2065G>A (p.Gly689Ser)

Gene: MTHFD1 (methylenetetrahydrofolate dehydrogenase, cyclohydrolase and formyltetrahydrofolate synthetase 1; plus strand). Cytogenetic location: 14q23.3.
Variant type: single nucleotide variant.
Coding change: c.2065G>A on transcript NM_005956.4 (MANE Select); coding-DNA position 2065, G replaced by A.
Protein change: p.Gly689Ser; replaces glycine 689 with serine.
Molecular consequence: missense variant.
Genome position (GRCh38, 1-based): chr14:64,442,331, G>A. VCF-style: chr14-64442331-G-A. GRCh37 (hg19) VCF-style: chr14-64909049-G-A.
Other names: c.2065G>A, p.Gly689Ser (NM_001364837.1); short protein forms G689S.
Identifiers: ClinVar variation 1898416 (VCV001898416.4), dbSNP rs749310643, ClinGen allele CA7226474.

ClinVar aggregate classification (germline): Uncertain significance (1 of 4 stars; one submission).

Allele frequency attached by ClinVar (database versions not stated): gnomAD exomes 0.00001; ExAC 0.00002; TOPMed 0.00002; gnomAD 0.00001.
gnomAD v4.1: 16 of 1,614,072 alleles (0.00099%); highest among the groups gnomAD compares: South Asian, 0.0066%; no homozygotes.

Submission:

Labcorp Genetics (formerly Invitae), Labcorp
Classification: Uncertain significance. Last evaluated: 2022-01-12. Review status: criteria provided, single submitter. Criteria: Invitae Variant Classification Sherloc (09022015). Collection method: clinical testing. Allele origin: germline.
Comment: This sequence change replaces glycine, which is neutral and non-polar, with serine, which is neutral and polar, at codon 689 of the MTHFD1 protein (p.Gly689Ser). This variant is present in population databases (rs749310643, gnomAD 0.01%). This variant has not been reported in the literature in individuals affected with MTHFD1-related conditions. Algorithms developed to predict the effect of missense changes on protein structure and function are either unavailable or do not agree on the potential impact of this missense change (SIFT: "Deleterious"; PolyPhen-2: "Benign"; Align-GVGD: "Class C0"). Algorithms developed to predict the effect of sequence changes on RNA splicing suggest that this variant may create or strengthen a splice site. In summary, the available evidence is currently insufficient to determine the role of this variant in disease. Therefore, it has been classified as a Variant of Uncertain Significance.